The following is an entry in ClinVar:

ClinVar aggregate classification (germline): Uncertain significance (1 of 4 stars; one submission).

Submission:

GeneDx
Classification: Uncertain significance. Last evaluated: 2023-07-03. Review status: criteria provided, single submitter. Criteria: GeneDx Variant Classification Process June 2021. Collection method: clinical testing. Allele origin: germline. Affected: yes.
Comment: Not observed at significant frequency in large population cohorts (gnomAD); In silico analysis supports that this missense variant has a deleterious effect on protein structure/function; Has not been previously published as pathogenic or benign to our knowledge

NM_003491.4(NAA10):c.316T>A (p.Tyr106Asn)

Gene: NAA10 (N-alpha-acetyltransferase 10, NatA catalytic subunit; minus strand). Cytogenetic location: Xq28.
Variant type: single nucleotide variant.
Coding change: c.316T>A on transcript NM_003491.4 (MANE Select); coding-DNA position 316, T replaced by A.
Protein change: p.Tyr106Asn; replaces tyrosine 106 with asparagine.
Molecular consequence: missense variant.
Genome position (GRCh38, 1-based): chrX:153,932,341, A>T on the plus strand (T>A on the coding strand, the complement: NAA10 is on the minus strand). VCF-style: chrX-153932341-A-T. GRCh37 (hg19) VCF-style: chrX-153197794-A-T.
Other names: c.316T>A, p.Tyr106Asn (NM_001256119.2); c.298T>A, p.Tyr100Asn (NM_001256120.2); short protein forms Y100N, Y106N.
Identifiers: ClinVar variation 3360770 (VCV003360770.1).